The following is an entry in ClinVar:

NM_000553.6(WRN):c.4192-3C>T

Genes: WRN (WRN RecQ like helicase; plus strand), LOC126860342 (MED14-independent group 3 enhancer GRCh37_chr8:31029565-31030764; plus strand). Cytogenetic location: 8p12.
Variant type: single nucleotide variant.
Coding change: c.4192-3C>T on transcript NM_000553.6 (MANE Select); 3 bases into the intron before coding-DNA position 4192, C replaced by T.
Molecular consequence: intron variant.
Genome position (GRCh38, 1-based): chr8:31,172,992, C>T. VCF-style: chr8-31172992-C-T. GRCh37 (hg19) VCF-style: chr8-31030508-C-T.
Identifiers: ClinVar variation 1063309 (VCV001063309.2), dbSNP rs1311481126, ClinGen allele CA1112374863.
Genomic context (GRCh38, chr8:31,172,992, plus strand): 5'-GCAACTAATACCCCTTCTCAGTAGTACAAAGATTTGATTTCTTTTTCTTTCTATTTCCTA[C>T]AGACTTCATCTGCAGAGAGAAAGAGACGATTACCTGTGTGGTTTGCCAAAGGAAGTGATA-3'

ClinVar aggregate classification (germline): Uncertain significance (1 of 4 stars; one submission).

Conditions:
Werner syndrome (WRN). Identifiers: Orphanet 902, MedGen C0043119, MONDO:0010196, OMIM 277700.

Allele frequency attached by ClinVar (database versions not stated): gnomAD exomes below 0.00001; gnomAD 0.00001.
gnomAD v4.1: 4 of 1,613,102 alleles (0.00025%); highest among the groups gnomAD compares: South Asian, 0.0011%; no homozygotes.

Submission:

Labcorp Genetics (formerly Invitae), Labcorp
Classification: Uncertain significance for Werner syndrome. Last evaluated: 2020-04-21. Review status: criteria provided, single submitter. Criteria: Invitae Variant Classification Sherloc (09022015). Collection method: clinical testing. Allele origin: germline.
Comment: This sequence change falls in intron 34 of the WRN gene. It does not directly change the encoded amino acid sequence of the WRN protein, but it affects a nucleotide within the consensus splice site of the intron. This variant is not present in population databases (ExAC no frequency). This variant has not been reported in the literature in individuals with WRN-related conditions. Nucleotide substitutions within the consensus splice site are a relatively common cause of aberrant splicing (PMID: 17576681, 9536098). Algorithms developed to predict the effect of sequence changes on RNA splicing suggest that this variant is not likely to affect RNA splicing, but this prediction has not been confirmed by published transcriptional studies. In summary, the available evidence is currently insufficient to determine the role of this variant in disease. Therefore, it has been classified as a Variant of Uncertain Significance.

Literature cited by the submitters: PubMed 17576681; PubMed 9536098.